The following is an entry in ClinVar:

ClinVar aggregate classification (germline): Uncertain significance (1 of 4 stars; one submission).

Conditions:
RPGRIP1L-related disorder. Also called: RPGRIP1L-related disorders; RPGRIP1L-related condition. Identifiers: MedGen CN239416.

gnomAD v4.1: 7 of 1,613,822 alleles (0.00043%); highest among the groups gnomAD compares: Non-Finnish European, 0.00059%; no homozygotes.

Submission:

PreventionGenetics, part of Exact Sciences
Classification: Uncertain significance for RPGRIP1L-related condition. Last evaluated: 2026-02-03. Review status: criteria provided, single submitter. Criteria: ACMG Guidelines, 2015. Collection method: clinical testing. Allele origin: germline.
Comment: The RPGRIP1L c.2924T>C variant is predicted to result in the amino acid substitution p.Val975Ala. To our knowledge, this variant has not been reported in the literature or in a large population database (gnomAD), indicating this variant is rare. At this time, the clinical significance of this variant is uncertain due to the absence of conclusive functional and genetic evidence.

NM_015272.5(RPGRIP1L):c.2924T>C (p.Val975Ala)

Gene: RPGRIP1L (RPGRIP1 like; minus strand). Cytogenetic location: 16q12.2.
Variant type: single nucleotide variant.
Coding change: c.2924T>C on transcript NM_015272.5 (MANE Select); coding-DNA position 2924, T replaced by C.
Protein change: p.Val975Ala; replaces valine 975 with alanine.
Molecular consequence: missense variant.
Genome position (GRCh38, 1-based): chr16:53,641,067, A>G on the plus strand (T>C on the coding strand, the complement: RPGRIP1L is on the minus strand). VCF-style: chr16-53641067-A-G. GRCh37 (hg19) VCF-style: chr16-53674979-A-G.
Other names: c.2924T>C, p.Val975Ala (NM_001127897.4, NM_001308334.3, NM_001330538.2); short protein forms V975A.
Identifiers: ClinVar variation 4992731 (VCV004992731.1).